The following is an entry in ClinVar:

NM_001145809.2(MYH14):c.1618C>T (p.Leu540Phe)

Gene: MYH14 (myosin heavy chain 14; plus strand). Cytogenetic location: 19q13.33.
Variant type: single nucleotide variant.
Coding change: c.1618C>T on transcript NM_001145809.2 (MANE Select); coding-DNA position 1618, C replaced by T.
Protein change: p.Leu540Phe; replaces leucine 540 with phenylalanine.
Molecular consequence: missense variant.
Genome position (GRCh38, 1-based): chr19:50,249,785, C>T. VCF-style: chr19-50249785-C-T. GRCh37 (hg19) VCF-style: chr19-50753042-C-T.
Other names: c.1594C>T (NM_024729.3); c.1618C>T, p.Leu540Phe (NM_001077186.2); c.1594C>T, p.Leu532Phe (NM_024729.4); c.1618C>T (NM_001145809.1); short protein forms L532F, L540F.
Identifiers: ClinVar variation 2672787 (VCV002672787.27), dbSNP rs776630032, ClinGen allele CA9592674.
Genomic context (GRCh38, chr19:50,249,785, plus strand): 5'-GTGCTGGAGCAGGAGGAGTACCAGCGTGAGGGCATCCCCTGGACCTTCCTCGACTTTGGC[C>T]TCGACCTGCAGCCCTGCATCGACCTCATCGAGCGGCCGGTGAGCCCCAGGCCCCTCCCAG-3'
Protein context (NP_001139281.1, residues 530-550): GIPWTFLDFG[Leu540Phe]DLQPCIDLIE

ClinVar aggregate classification (germline): Conflicting classifications of pathogenicity. Review status: criteria provided, conflicting classifications (1 of 4 stars). 5 submissions from 5 submitters: Uncertain significance (3); Likely benign (2). Last evaluated 2025-12-01.

Conditions:
MYH14-related disorder. Also called: MYH14-related condition.

Allele frequency attached by ClinVar (database versions not stated): gnomAD 0.00001; ExAC 0.00002; TOPMed 0.00002.
gnomAD v4.1: 70 of 1,614,100 alleles (0.0043%); highest among the groups gnomAD compares: Non-Finnish European, 0.0053%; 2 homozygotes.

Submissions (5):

CeGaT Center for Human Genetics Tuebingen
Classification: Likely benign. Last evaluated: 2025-12-01. Review status: criteria provided, single submitter. Criteria: CeGaT Center For Human Genetics Tuebingen Variant Classification Criteria Version 2. Collection method: clinical testing. Allele origin: germline. Affected: yes. Observed: 4 variant alleles.
Comment: MYH14: BS1

PreventionGenetics, part of Exact Sciences
Classification: Uncertain significance for MYH14-related condition. Last evaluated: 2025-05-20. Review status: criteria provided, single submitter. Criteria: ACMG Guidelines, 2015. Collection method: clinical testing. Allele origin: germline.
Comment: The MYH14 c.1618C>T variant is predicted to result in the amino acid substitution p.Leu540Phe. To our knowledge, this variant has not been reported in the literature. This variant is reported in 0.0070% of alleles in individuals of European (Non-Finnish) descent in gnomAD. At this time, the clinical significance of this variant is uncertain due to the absence of conclusive functional and genetic evidence.

GeneDx
Classification: Uncertain significance. Last evaluated: 2025-03-14. Review status: criteria provided, single submitter. Criteria: GeneDx Variant Classification Process June 2021. Collection method: clinical testing. Allele origin: germline. Affected: yes.
Comment: In silico analysis supports that this missense variant has a deleterious effect on protein structure/function; Has not been previously published as pathogenic or benign to our knowledge

Blueprint Genetics
Classification: Likely benign. Last evaluated: 2024-11-21. Review status: criteria provided, single submitter. Criteria: ACMG Guidelines, 2015. Collection method: clinical testing. Allele origin: germline.

Labcorp Genetics (formerly Invitae), Labcorp
Classification: Uncertain significance. Last evaluated: 2024-07-19. Review status: criteria provided, single submitter. Criteria: Invitae Variant Classification Sherloc (09022015). Collection method: clinical testing. Allele origin: germline.
Comment: This sequence change replaces leucine, which is neutral and non-polar, with phenylalanine, which is neutral and non-polar, at codon 532 of the MYH14 protein (p.Leu532Phe). This variant is present in population databases (rs776630032, gnomAD 0.007%). This variant has not been reported in the literature in individuals affected with MYH14-related conditions. Advanced modeling of protein sequence and biophysical properties (such as structural, functional, and spatial information, amino acid conservation, physicochemical variation, residue mobility, and thermodynamic stability) performed at Invitae indicates that this missense variant is expected to disrupt MYH14 protein function with a positive predictive value of 80%. In summary, the available evidence is currently insufficient to determine the role of this variant in disease. Therefore, it has been classified as a Variant of Uncertain Significance.